The following is an entry in ClinVar:

NM_000557.5(GDF5):c.808A>G (p.Ser270Gly)

Genes: GDF5 (growth differentiation factor 5; minus strand), GDF5-AS1 (GDF5 antisense RNA 1; plus strand). Cytogenetic location: 20q11.22.
Variant type: single nucleotide variant.
Coding change: c.808A>G on transcript NM_000557.5 (MANE Select); coding-DNA position 808, A replaced by G.
Protein change: p.Ser270Gly; replaces serine 270 with glycine.
Molecular consequence: missense variant. On other transcripts: non-coding transcript variant (1).
Genome position (GRCh38, 1-based): chr20:35,434,607, T>C on the plus strand (A>G on the coding strand, the complement: GDF5 is on the minus strand). VCF-style: chr20-35434607-T-C. GRCh37 (hg19) VCF-style: chr20-34022405-T-C.
Other names: c.808A>G, p.Ser270Gly (NM_001319138.2); short protein forms S270G.
Identifiers: ClinVar variation 4975338 (VCV004975338.1).

ClinVar aggregate classification (germline): Uncertain significance (1 of 4 stars; one submission).

Submission:

GeneDx
Classification: Uncertain significance. Last evaluated: 2026-01-21. Review status: criteria provided, single submitter. Criteria: GeneDx Variant Classification Process June 2021. Collection method: clinical testing. Allele origin: germline.
Comment: Not observed at significant frequency in large population cohorts (gnomAD); In silico analysis supports that this missense variant has a deleterious effect on protein structure/function; Has not been previously published as pathogenic or benign to our knowledge